The following is an entry in ClinVar:

NM_000487.6(ARSA):c.466-7G>C

Gene: ARSA (arylsulfatase A; minus strand). Cytogenetic location: 22q13.33.
Variant type: single nucleotide variant.
Coding change: c.466-7G>C on transcript NM_000487.6 (MANE Select); 7 bases into the intron before coding-DNA position 466, G replaced by C.
Molecular consequence: intron variant.
Genome position (GRCh38, 1-based): chr22:50,627,059, C>G on the plus strand (G>C on the coding strand, the complement: ARSA is on the minus strand). VCF-style: chr22-50627059-C-G. GRCh37 (hg19) VCF-style: chr22-51065487-C-G.
Other names: c.208-7G>C (NM_001362782.2, NM_001085428.3); c.466-7G>C (NM_001085427.3, NM_001085426.3, NM_001085425.3).
Identifiers: ClinVar variation 425284 (VCV000425284.68), dbSNP rs6151414, ClinGen allele CA10325001.

ClinVar aggregate classification (germline): Conflicting classifications of pathogenicity. Review status: criteria provided, conflicting classifications (1 of 4 stars). 8 submissions from 8 submitters: Uncertain significance (1); Benign (1); Likely benign (4). 2 of the submissions do not count toward it. Last evaluated 2026-02-04.

Conditions:
ARSA-related disorder. Also called: ARSA-related condition.
Metachromatic leukodystrophy (MLD). Also called: ARSA DEFICIENCY; CEREBROSIDE SULFATASE DEFICIENCY; METACHROMATIC LEUKOENCEPHALOPATHY; SULFATIDE LIPIDOSIS; Cerebral sclerosis diffuse metachromatic form; Arylsulfatase A Deficiency. Identifiers: Orphanet 512, MedGen C0023522, MONDO:0018868, OMIM 250100.

Allele frequency attached by ClinVar (database versions not stated): ESP Exome Variant Server 0.00174; 1000 Genomes Project 30x 0.00187; TOPMed 0.00215; gnomAD 0.00294; 1000 Genomes Project 0.00399.

Submissions (8):

Labcorp Genetics (formerly Invitae), Labcorp
Classification: Benign for Metachromatic leukodystrophy. Last evaluated: 2026-02-04. Review status: criteria provided, single submitter. Criteria: Invitae Variant Classification Sherloc (09022015). Collection method: clinical testing. Allele origin: germline.

Mayo Clinic Laboratories, Mayo Clinic
Classification: Likely benign. Last evaluated: 2025-10-28. Review status: criteria provided, single submitter. Criteria: ACMG Guidelines, 2015. Collection method: clinical testing. Allele origin: germline. Observed: 20 variant alleles.
Comment: BS1, BP4, BP7

Blueprint Genetics
Classification: Likely benign. Last evaluated: 2024-11-20. Review status: criteria provided, single submitter. Criteria: ACMG Guidelines, 2015. Collection method: clinical testing. Allele origin: germline.

CeGaT Center for Human Genetics Tuebingen
Classification: Likely benign. Last evaluated: 2024-10-01. Review status: criteria provided, single submitter. Criteria: CeGaT Center For Human Genetics Tuebingen Variant Classification Criteria Version 2. Collection method: clinical testing. Allele origin: germline. Affected: yes. Observed: 8 variant alleles.
Comment: ARSA: BP4, BS2

GeneDx
Classification: Likely benign. Last evaluated: 2021-06-25. Review status: criteria provided, single submitter. Criteria: GeneDx Variant Classification Process June 2021. Collection method: clinical testing. Allele origin: germline. Affected: yes.

Illumina Laboratory Services, Illumina
Classification: Uncertain significance for Metachromatic leukodystrophy. Last evaluated: 2018-01-12. Review status: criteria provided, single submitter. Criteria: ICSL Variant Classification Criteria 13 December 2019. Collection method: clinical testing. Allele origin: germline.

Natera, Inc.
Classification: Likely benign for Metachromatic leukodystrophy. Last evaluated: 2020-01-02. Review status: no assertion criteria provided. Collection method: clinical testing. Allele origin: germline. Not counted in ClinVar's aggregate classification.

PreventionGenetics, part of Exact Sciences
Classification: Likely benign for ARSA-related condition. Last evaluated: 2019-12-16. Review status: no assertion criteria provided. Collection method: clinical testing. Allele origin: germline. Not counted in ClinVar's aggregate classification.
Comment: This variant is classified as likely benign based on ACMG/AMP sequence variant interpretation guidelines (Richards et al. 2015 PMID: 25741868, with internal and published modifications).